The following is an entry in ClinVar:

ClinVar aggregate classification (germline): Benign. Review status: criteria provided, multiple submitters, no conflicts (2 of 4 stars). 2 submissions from 2 submitters: Benign (2). Last evaluated 2018-06-14.

Allele frequency attached by ClinVar (database versions not stated): gnomAD exomes 0.12378 and 0.13271; 1000 Genomes Project 0.12660; 1000 Genomes Project 30x 0.12851; ESP Exome Variant Server 0.13918; gnomAD 0.14036 and 0.14350; TOPMed 0.14609; ExAC 0.16431.
gnomAD v4.1: 190,681 of 1,424,602 alleles (13%); highest among the groups gnomAD compares: Middle Eastern, 18%; 13,349 homozygotes.

Submissions (2):

GeneDx
Classification: Benign. Last evaluated: 2018-06-14. Review status: criteria provided, single submitter. Criteria: GeneDx Variant Classification (06012015). Collection method: clinical testing. Allele origin: germline. Affected: yes.
Comment: This variant is considered likely benign or benign based on one or more of the following criteria: it is a conservative change, it occurs at a poorly conserved position in the protein, it is predicted to be benign by multiple in silico algorithms, and/or has population frequency not consistent with disease.

Breakthrough Genomics
Classification: Benign. Review status: criteria provided, single submitter. Criteria: ACMG Guidelines, 2015. Collection method: not provided. Allele origin: germline. Inheritance: Autosomal recessive inheritance. Affected: yes.

NM_012062.5(DNM1L):c.370-39T>C

Gene: DNM1L (dynamin 1 like; plus strand). Cytogenetic location: 12p11.21.
Variant type: single nucleotide variant.
Coding change: c.370-39T>C on transcript NM_012062.5 (MANE Select); 39 bases into the intron before coding-DNA position 370, T replaced by C.
Molecular consequence: intron variant.
Genome position (GRCh38, 1-based): chr12:32,710,890, T>C. VCF-style: chr12-32710890-T-C. GRCh37 (hg19) VCF-style: chr12-32863824-T-C.
Other names: c.409-39T>C (NM_001278464.2, NM_001278465.2, NM_001330380.2); c.131+3477T>C (NM_001278466.2); c.370-39T>C (NM_001278463.2, NM_012063.4, NM_005690.5).
Identifiers: ClinVar variation 673620 (VCV000673620.2), dbSNP rs11052197, ClinGen allele CA6507329.